The following is an entry in ClinVar:

ClinVar aggregate classification (germline): Pathogenic. Review status: criteria provided, multiple submitters, no conflicts (2 of 4 stars). 3 submissions from 3 submitters: Pathogenic (2). 1 of the submissions does not count toward it. Last evaluated 2024-10-09.

Conditions:
Partial androgen insensitivity syndrome (PAIS). Also called: Reifenstein syndrome; Gynecomastia, familial; Pseudohermaphroditism, Incomplete male, type I; Reifenstein syndrome, partial; Androgen resistance syndrome, partial; Type I familial incomplete male pseudohermaphroditism. Identifiers: Orphanet 90797, MedGen C0268301, MONDO:0010720, OMIM 312300.
Androgen resistance syndrome (AIS). Also called: Androgen insensitivity, complete; Androgen insensitivity syndrome due to coactivator deficiency; Androgen insensitivity syndrome; Androgen insensitivity; ANDROGEN RECEPTOR DEFICIENCY; DIHYDROTESTOSTERONE RECEPTOR DEFICIENCY. Identifiers: Orphanet 754, Orphanet 99429, MedGen C0039585, MONDO:0019154, OMIM 300068. Disease mechanism: loss of function.
Kennedy disease (SMAX1). Also called: Spinal and Bulbar Muscular Atrophy; SPINAL AND BULBAR MUSCULAR ATROPHY, X-LINKED 1; KENNEDY SPINAL AND BULBAR MUSCULAR ATROPHY. Identifiers: Orphanet 481, MedGen C1839259, MONDO:0010735, OMIM 313200.

Submissions (3):

Victorian Clinical Genetics Services, Murdoch Childrens Research Institute
Classification: Pathogenic for Partial androgen insensitivity syndrome. Last evaluated: 2024-10-09. Review status: criteria provided, single submitter. Criteria: ACMG Guidelines, 2015. Collection method: clinical testing. Allele origin: germline. Inheritance: X-linked recessive inheritance. Affected: yes.
Comment: Based on the classification scheme VCGS_Germline_v1.3.4, this variant is classified as Pathogenic. Following criteria are met: 0102 - Loss of function is a known mechanism of disease in this gene and is associated with androgen insensitivity (MIM#300068), partial androgen insensitivity with or without breast cancer (MIM#312300), X-linked hypospadias 1 (MIM#300633), or spinal and bulbar muscular atrophy of Kennedy (MIM#313200). (I) 0109 - This gene is associated with X-linked recessive disease. (I) 0200 - Variant is predicted to result in a missense amino acid change from isoleucine to threonine. (I) 0253 - This variant is hemizygous. (I) 0301 - Variant is absent from gnomAD (both v2 and v3). (SP) 0501 - Missense variant consistently predicted to be damaging by multiple in silico tools or highly conserved with a major amino acid change. (SP) 0602 - Variant is located in a hotspot region or cluster of pathogenic variants. This variant is located within a cluster of pathogenic missense variants in the hormone receptor domain (DECIPHER). (SP) 0801 - This variant has strong previous evidence of pathogenicity in unrelated individuals. This variant has been reported once as pathogenic (ClinVar) and in five individuals from four families with partial androgen insensitivity syndrome (PMIDs: 35432193, 9039340, 15266301, 37493574). (SP) 1002 - This variant has moderate functional evidence supporting abnormal protein function. Functional analysis in HeLa cells demonstrated that mutant AR needed tenfold higher androgen concentrations to trigger maximal CAT-activity when compared with wild-type. (PMID: 9039340). (SP) 1208 - Inheritance information for this variant is not currently available in this individual. (I) Legend: (SP) - Supporting pathogenic, (I) - Information, (SB) - Supporting benign

Labcorp Genetics (formerly Invitae), Labcorp
Classification: Pathogenic for Kennedy disease; Androgen resistance syndrome. Last evaluated: 2023-08-18. Review status: criteria provided, single submitter. Criteria: Invitae Variant Classification Sherloc (09022015). Collection method: clinical testing. Allele origin: germline.
Comment: For these reasons, this variant has been classified as Pathogenic. This variant disrupts the p.Ile843 amino acid residue in AR. Other variant(s) that disrupt this residue have been determined to be pathogenic (PMID: 11788645). This suggests that this residue is clinically significant, and that variants that disrupt this residue are likely to be disease-causing. Advanced modeling of protein sequence and biophysical properties (such as structural, functional, and spatial information, amino acid conservation, physicochemical variation, residue mobility, and thermodynamic stability) has been performed at Invitae for this missense variant, however the output from this modeling did not meet the statistical confidence thresholds required to predict the impact of this variant on AR protein function. ClinVar contains an entry for this variant (Variation ID: 658124). This variant is also known as 842Ile-Thr. This missense change has been observed in individual(s) with androgen insensitivity syndrome (PMID: 8723113, 9039340, 22334387). This variant is not present in population databases (gnomAD no frequency). This sequence change replaces isoleucine, which is neutral and non-polar, with threonine, which is neutral and polar, at codon 843 of the AR protein (p.Ile843Thr).

Human Developmental Genetics, Institut Pasteur
Classification: Pathogenic for Androgen resistance syndrome. Last evaluated: 2021-08-17. Review status: no assertion criteria provided. Collection method: research. Allele origin: maternal. Inheritance: X-linked inheritance. Affected: yes. Observed: 1 variant allele, 1 hemizygote. Not counted in ClinVar's aggregate classification.

Literature cited by the submitters: PubMed 9039340 (cited by Victorian Clinical Genetics Services, Murdoch Childrens Research Institute and Labcorp Genetics (formerly Invitae), Labcorp); PubMed 15266301 (cited by Victorian Clinical Genetics Services, Murdoch Childrens Research Institute); PubMed 35432193 (cited by Victorian Clinical Genetics Services, Murdoch Childrens Research Institute); PubMed 37493574 (cited by Victorian Clinical Genetics Services, Murdoch Childrens Research Institute); PubMed 11788645 (cited by Labcorp Genetics (formerly Invitae), Labcorp); PubMed 8723113 (cited by Labcorp Genetics (formerly Invitae), Labcorp); PubMed 22334387 (cited by Labcorp Genetics (formerly Invitae), Labcorp).

NM_000044.6(AR):c.2528T>C (p.Ile843Thr)

Gene: AR (androgen receptor; plus strand). Cytogenetic location: Xq12.
Variant type: single nucleotide variant.
Coding change: c.2528T>C on transcript NM_000044.6 (MANE Select); coding-DNA position 2528, T replaced by C.
Protein change: p.Ile843Thr; replaces isoleucine 843 with threonine.
Molecular consequence: missense variant.
Genome position (GRCh38, 1-based): chrX:67,722,905, T>C. VCF-style: chrX-67722905-T-C. GRCh37 (hg19) VCF-style: chrX-66942747-T-C.
Other names: c.932T>C, p.Ile311Thr (NM_001011645.3); c.2528T>C (NM_000044.4); short protein forms I843T, I311T.
Identifiers: ClinVar variation 658124 (VCV000658124.10), dbSNP rs9332970, ClinGen allele CA330772299.